The following is an entry in ClinVar:

ClinVar aggregate classification (germline): Uncertain significance (1 of 4 stars; one submission).

Submission:

GeneDx
Classification: Uncertain significance. Last evaluated: 2022-05-12. Review status: criteria provided, single submitter. Criteria: GeneDx Variant Classification Process June 2021. Collection method: clinical testing. Allele origin: germline. Affected: yes.
Comment: Not observed at significant frequency in large population cohorts (gnomAD); In silico analysis supports that this missense variant has a deleterious effect on protein structure/function; De novo variant with confirmed parentage; however, the reported clinical features are only partially consistent with the features typically observed in individuals with pathogenic variants in this gene; Has not been previously published as pathogenic or benign to our knowledge

NM_001127222.2(CACNA1A):c.5117C>T (p.Ala1706Val)

Gene: CACNA1A (calcium voltage-gated channel subunit alpha1 A; minus strand). Cytogenetic location: 19p13.13.
Variant type: single nucleotide variant.
Coding change: c.5117C>T on transcript NM_001127222.2 (MANE Select); coding-DNA position 5117, C replaced by T.
Protein change: p.Ala1706Val; replaces alanine 1706 with valine.
Molecular consequence: missense variant.
Genome position (GRCh38, 1-based): chr19:13,235,225, G>A on the plus strand (C>T on the coding strand, the complement: CACNA1A is on the minus strand). VCF-style: chr19-13235225-G-A. GRCh37 (hg19) VCF-style: chr19-13346039-G-A.
Other names: c.5135C>T, p.Ala1712Val (NM_000068.4, NM_023035.3); c.5120C>T, p.Ala1707Val (NM_001127221.2); c.5126C>T, p.Ala1709Val (NM_001174080.2); short protein forms A1706V, A1707V, A1709V, A1712V.
Identifiers: ClinVar variation 1723744 (VCV001723744.2), dbSNP rs2512645577, ClinGen allele CA404335832.